The following is an entry in ClinVar:

ClinVar aggregate classification (germline): Benign/Likely benign. Review status: criteria provided, multiple submitters, no conflicts (2 of 4 stars). 3 submissions from 3 submitters: Benign (1); Likely benign (2). Last evaluated 2025-08-30.

Conditions:
Hereditary cancer-predisposing syndrome. Also called: Neoplastic Syndromes, Hereditary; Hereditary Cancer Syndrome; Tumor predisposition; Hereditary neoplastic syndrome. Identifiers: Orphanet 140162, MedGen C0027672, MeSH D009386, MONDO:0015356.
BAP1-related tumor predisposition syndrome (TPDS1). Also called: COMMON Syndrome; BAP1 tumor predisposition syndrome; TUMOR PREDISPOSITION SYNDROME 1; Tumor susceptibility linked to germline BAP1 mutations. Identifiers: Orphanet 289539, MedGen C3280492, MONDO:0013692, OMIM 614327.

Allele frequency attached by ClinVar (database versions not stated): gnomAD exomes below 0.00001; TOPMed 0.00001.
gnomAD v4.1: 1 of 1,614,184 alleles (0.000062%); highest among the groups gnomAD compares: Non-Finnish European, 0.000085%; no homozygotes.

Submissions (3):

Labcorp Genetics (formerly Invitae), Labcorp
Classification: Likely benign for BAP1-related tumor predisposition syndrome. Last evaluated: 2025-08-30. Review status: criteria provided, single submitter. Criteria: Invitae Variant Classification Sherloc (09022015). Collection method: clinical testing. Allele origin: germline.

Myriad Genetics, Inc.
Classification: Benign for BAP1-related tumor predisposition syndrome. Last evaluated: 2024-07-11. Review status: criteria provided, single submitter. Criteria: Myriad Autosomal Dominant, Autosomal Recessive and X-Linked Classification Criteria (2023). Collection method: clinical testing. Allele origin: unknown.
Comment: This variant is considered benign. This variant is a silent/synonymous amino acid change and it is not expected to impact splicing.

Ambry Genetics
Classification: Likely benign for Hereditary cancer-predisposing syndrome. Last evaluated: 2023-09-11. Review status: criteria provided, single submitter. Criteria: Ambry Variant Classification Scheme 2023. Collection method: clinical testing. Allele origin: germline.

NM_004656.4(BAP1):c.111C>T (p.Ser37=)

Gene: BAP1 (BRCA1 associated deubiquitinase 1; minus strand). Cytogenetic location: 3p21.1.
Variant type: single nucleotide variant.
Coding change: c.111C>T on transcript NM_004656.4 (MANE Select); coding-DNA position 111, C replaced by T.
Protein change: p.Ser37=; no amino-acid change (serine 37 retained).
Molecular consequence: synonymous variant.
Genome position (GRCh38, 1-based): chr3:52,409,565, G>A on the plus strand (C>T on the coding strand, the complement: BAP1 is on the minus strand). VCF-style: chr3-52409565-G-A. GRCh37 (hg19) VCF-style: chr3-52443581-G-A.
Other names: c.111C>T, p.Ser37= (NM_001410772.1).
Identifiers: ClinVar variation 2039941 (VCV002039941.7), dbSNP rs898317278, ClinGen allele CA74744886.